The following is an entry in ClinVar:

NM_001367624.2(ZNF469):c.11401C>A (p.Pro3801Thr)

Gene: ZNF469 (zinc finger protein 469; plus strand). Cytogenetic location: 16q24.2.
Variant type: single nucleotide variant.
Coding change: c.11401C>A on transcript NM_001367624.2 (MANE Select); coding-DNA position 11401, C replaced by A.
Protein change: p.Pro3801Thr; replaces proline 3801 with threonine.
Molecular consequence: missense variant.
Genome position (GRCh38, 1-based): chr16:88,438,871, C>A. VCF-style: chr16-88438871-C-A. GRCh37 (hg19) VCF-style: chr16-88505279-C-A.
Other names: NM_001127464.1:c.11317C>A; short protein forms P3801T.
Identifiers: ClinVar variation 3476212 (VCV003476212.2).

ClinVar aggregate classification (germline): Uncertain significance. Review status: criteria provided, multiple submitters, no conflicts (2 of 4 stars). 2 submissions from 2 submitters: Uncertain significance (2). Last evaluated 2026-04-01.

Conditions:
Cardiovascular phenotype. Identifiers: MedGen CN230736.

gnomAD v4.1: 19 of 1,550,336 alleles (0.0012%); highest among the groups gnomAD compares: South Asian, 0.023%; no homozygotes.

Submissions (2):

Women's Health and Genetics/Laboratory Corporation of America, LabCorp
Classification: Uncertain significance. Last evaluated: 2026-04-01. Review status: criteria provided, single submitter. Criteria: LabCorp Variant Classification Summary - May 2015. Collection method: clinical testing. Allele origin: germline.
Comment: Variant summary: ZNF469 c.11401C>A (p.Pro3801Thr) results in a non-conservative amino acid change in the encoded protein sequence. Algorithms developed to predict the effect of missense changes on protein structure and function are either unavailable or do not agree on the potential impact of this missense change. The variant allele was found at a frequency of 2.6e-05 in 153620 control chromosomes. The available data on variant occurrences in the general population are insufficient to allow any conclusion about variant significance. To our knowledge, no occurrence of c.11401C>A in individuals affected with ZNF469-related conditions and no experimental evidence demonstrating its impact on protein function have been reported. ClinVar contains an entry for this variant (Variation ID: 3476212). Based on the evidence outlined above, the variant was classified as uncertain significance.

Ambry Genetics
Classification: Uncertain significance for Cardiovascular phenotype. Last evaluated: 2024-09-14. Review status: criteria provided, single submitter. Criteria: Ambry Variant Classification Scheme 2023. Collection method: clinical testing. Allele origin: germline.
Comment: The p.P3773T variant (also known as c.11317C>A), located in coding exon 2 of the ZNF469 gene, results from a C to A substitution at nucleotide position 11317. The proline at codon 3773 is replaced by threonine, an amino acid with highly similar properties. This amino acid position is conserved. In addition, this alteration is predicted to be tolerated by in silico analysis. Based on the available evidence, the clinical significance of this variant remains unclear.